The following is an entry in ClinVar:

ClinVar aggregate classification (germline): Uncertain significance. Review status: criteria provided, multiple submitters, no conflicts (2 of 4 stars). 2 submissions from 2 submitters: Uncertain significance (2). Last evaluated 2025-04-30.

Conditions:
Inborn genetic diseases. Identifiers: MedGen C0950123, MeSH D030342.

Allele frequency attached by ClinVar (database versions not stated): gnomAD exomes 0.00003 and 0.00001; gnomAD 0.00013 and 0.00012; ExAC 0.00003; TOPMed 0.00012; ESP Exome Variant Server 0.00008.

Submissions (2):

Ambry Genetics
Classification: Uncertain significance for Inborn genetic diseases. Last evaluated: 2025-04-30. Review status: criteria provided, single submitter. Criteria: Ambry Variant Classification Scheme 2023. Collection method: clinical testing. Allele origin: germline.

Labcorp Genetics (formerly Invitae), Labcorp
Classification: Uncertain significance. Last evaluated: 2022-08-09. Review status: criteria provided, single submitter. Criteria: Invitae Variant Classification Sherloc (09022015). Collection method: clinical testing. Allele origin: germline.
Comment: This sequence change replaces arginine, which is basic and polar, with cysteine, which is neutral and slightly polar, at codon 2546 of the SPEG protein (p.Arg2546Cys). This variant is present in population databases (rs376889333, gnomAD 0.04%). This variant has not been reported in the literature in individuals affected with SPEG-related conditions. ClinVar contains an entry for this variant (Variation ID: 1430917). Algorithms developed to predict the effect of missense changes on protein structure and function are either unavailable or do not agree on the potential impact of this missense change (SIFT: "Deleterious"; PolyPhen-2: "Possibly Damaging"; Align-GVGD: "Class C0"). In summary, the available evidence is currently insufficient to determine the role of this variant in disease. Therefore, it has been classified as a Variant of Uncertain Significance.

NM_005876.5(SPEG):c.7636C>T (p.Arg2546Cys)

Genes: ASIC4-AS1 (ASIC4 antisense RNA 1; minus strand), SPEG (striated muscle enriched protein kinase; plus strand). Cytogenetic location: 2q35.
Variant type: single nucleotide variant.
Coding change: c.7636C>T on transcript NM_005876.5 (MANE Select); coding-DNA position 7636, C replaced by T.
Protein change: p.Arg2546Cys; replaces arginine 2546 with cysteine.
Molecular consequence: missense variant.
Genome position (GRCh38, 1-based): chr2:219,485,372, C>T. VCF-style: chr2-219485372-C-T. GRCh37 (hg19) VCF-style: chr2-220350094-C-T.
Other names: c.7636C>T (NM_005876.4); short protein forms R2546C.
Identifiers: ClinVar variation 1430917 (VCV001430917.7), dbSNP rs376889333, ClinGen allele CA2127234.